The following is an entry in ClinVar:

ClinVar aggregate classification (germline): Pathogenic (1 of 4 stars; one submission).

Submission:

Labcorp Genetics (formerly Invitae), Labcorp
Classification: Pathogenic. Last evaluated: 2023-02-18. Review status: criteria provided, single submitter. Criteria: Invitae Variant Classification Sherloc (09022015). Collection method: clinical testing. Allele origin: germline.
Comment: For these reasons, this variant has been classified as Pathogenic. This premature translational stop signal has been observed in individual(s) with congenital hypothyroidism (PMID: 28444304). This variant is not present in population databases (gnomAD no frequency). This sequence change creates a premature translational stop signal (p.Glu657Argfs*19) in the DUOX2 gene. It is expected to result in an absent or disrupted protein product. Loss-of-function variants in DUOX2 are known to be pathogenic (PMID: 12110737, 18765513, 21565790, 24423310, 24735383).

Literature cited by the submitters: PubMed 28444304; PubMed 12110737; PubMed 18765513; PubMed 21565790; PubMed 24423310; PubMed 24735383.

NM_001363711.2(DUOX2):c.1969del (p.Glu657fs)

Gene: DUOX2 (dual oxidase 2; minus strand). Cytogenetic location: 15q21.1.
Variant type: Deletion.
Coding change: c.1969del on transcript NM_001363711.2 (MANE Select); coding-DNA position 1969, one base deleted (G; older notation c.1969delG).
Protein change: p.Glu657fs; shifts the reading frame from glutamic acid 657.
Molecular consequence: frameshift variant.
Genome position (GRCh38, 1-based): chr15:45,106,304, C deleted on the plus strand (G on the coding strand, the reverse complement: DUOX2 is on the minus strand); the first of 2 consecutive C bases (chr15:45,106,304-45,106,305); deleting either gives the same sequence. VCF-style (leftmost placement, unchanged base first): chr15-45106303-TC-T. GRCh37 (hg19) VCF-style: chr15-45398501-TC-T.
Other names: c.1969del, p.Glu657fs (NM_014080.5); short protein forms E657fs.
Identifiers: ClinVar variation 2736205 (VCV002736205.3), dbSNP rs2504766612, ClinGen allele CA2695220471.